The following is an entry in ClinVar:

NM_000426.4(LAMA2):c.5174T>C (p.Ile1725Thr)

Gene: LAMA2 (laminin subunit alpha 2; plus strand). Cytogenetic location: 6q22.33.
Variant type: single nucleotide variant.
Coding change: c.5174T>C on transcript NM_000426.4 (MANE Select); coding-DNA position 5174, T replaced by C.
Protein change: p.Ile1725Thr; replaces isoleucine 1725 with threonine.
Molecular consequence: missense variant.
Genome position (GRCh38, 1-based): chr6:129,391,593, T>C. VCF-style: chr6-129391593-T-C. GRCh37 (hg19) VCF-style: chr6-129712738-T-C.
Other names: c.5174T>C, p.Ile1725Thr (NM_001079823.2); short protein forms I1725T.
Identifiers: ClinVar variation 3389985 (VCV003389985.14).

ClinVar aggregate classification (germline): Uncertain significance (1 of 4 stars; one submission).

Submission:

CeGaT Center for Human Genetics Tuebingen
Classification: Uncertain significance. Last evaluated: 2024-10-01. Review status: criteria provided, single submitter. Criteria: CeGaT Center For Human Genetics Tuebingen Variant Classification Criteria Version 2. Collection method: clinical testing. Allele origin: germline. Affected: yes. Observed: 1 variant allele.
Comment: LAMA2: PM2, BP4